The following is an entry in ClinVar:

ClinVar aggregate classification (germline): Uncertain significance. Review status: criteria provided, multiple submitters, no conflicts (2 of 4 stars). 2 submissions from 2 submitters: Uncertain significance (2). Last evaluated 2023-10-23.

Conditions:
Cardiovascular phenotype. Identifiers: MedGen CN230736.

Submissions (2):

Labcorp Genetics (formerly Invitae), Labcorp
Classification: Uncertain significance. Last evaluated: 2023-10-23. Review status: criteria provided, single submitter. Criteria: Invitae Variant Classification Sherloc (09022015). Collection method: clinical testing. Allele origin: germline.
Comment: This sequence change replaces cysteine, which is neutral and slightly polar, with arginine, which is basic and polar, at codon 2176 of the ZNF469 protein (p.Cys2176Arg). This variant is not present in population databases (gnomAD no frequency). This variant has not been reported in the literature in individuals affected with ZNF469-related conditions. ClinVar contains an entry for this variant (Variation ID: 2553068). Algorithms developed to predict the effect of missense changes on protein structure and function output the following: SIFT: "Not Available"; PolyPhen-2: "Possibly Damaging"; Align-GVGD: "Not Available". The arginine amino acid residue is found in multiple mammalian species, which suggests that this missense change does not adversely affect protein function. In summary, the available evidence is currently insufficient to determine the role of this variant in disease. Therefore, it has been classified as a Variant of Uncertain Significance.

Ambry Genetics
Classification: Uncertain significance for Cardiovascular phenotype. Last evaluated: 2023-05-30. Review status: criteria provided, single submitter. Criteria: Ambry Variant Classification Scheme 2023. Collection method: clinical testing. Allele origin: germline.

NM_001367624.2(ZNF469):c.6610T>C (p.Cys2204Arg)

Gene: ZNF469 (zinc finger protein 469; plus strand). Cytogenetic location: 16q24.2.
Variant type: single nucleotide variant.
Coding change: c.6610T>C on transcript NM_001367624.2 (MANE Select); coding-DNA position 6610, T replaced by C.
Protein change: p.Cys2204Arg; replaces cysteine 2204 with arginine.
Molecular consequence: missense variant.
Genome position (GRCh38, 1-based): chr16:88,434,080, T>C. VCF-style: chr16-88434080-T-C. GRCh37 (hg19) VCF-style: chr16-88500488-T-C.
Other names: NM_001127464.1:c.6526T>C; short protein forms C2204R.
Identifiers: ClinVar variation 2553068 (VCV002553068.5), dbSNP rs2507593982, ClinGen allele CA397106294.